The following is an entry in ClinVar:

NM_001385125.1(OPN1SW):c.946T>G (p.Cys316Gly)

Genes: CALU (calumenin; plus strand), OPN1SW (opsin 1, short wave sensitive; minus strand). Cytogenetic location: 7q32.1.
Variant type: single nucleotide variant.
Coding change: c.946T>G on transcript NM_001385125.1 (MANE Select); coding-DNA position 946, T replaced by G.
Protein change: p.Cys316Gly; replaces cysteine 316 with glycine.
Molecular consequence: missense variant. On other transcripts: 3 prime UTR variant (5), non-coding transcript variant (1).
Genome position (GRCh38, 1-based): chr7:128,772,632, A>C on the plus strand (T>G on the coding strand, the complement: OPN1SW is on the minus strand). VCF-style: chr7-128772632-A-C. GRCh37 (hg19) VCF-style: chr7-128412686-A-C.
Other names: c.*3465A>C (NM_001130674.3, NM_001199671.2, NM_001199672.2 and 1 more transcripts); c.*3538A>C (NM_001199673.2); short protein forms C316G.
Identifiers: ClinVar variation 1396418 (VCV001396418.8), dbSNP rs946529537, ClinGen allele CA166209952.

ClinVar aggregate classification (germline): Uncertain significance (1 of 4 stars; one submission).

Allele frequency attached by ClinVar (database versions not stated): TOPMed below 0.00001.
gnomAD v4.1: 24 of 1,614,046 alleles (0.0015%); highest among the groups gnomAD compares: Non-Finnish European, 0.0019%; no homozygotes.

Submission:

Labcorp Genetics (formerly Invitae), Labcorp
Classification: Uncertain significance. Last evaluated: 2021-05-19. Review status: criteria provided, single submitter. Criteria: Invitae Variant Classification Sherloc (09022015). Collection method: clinical testing. Allele origin: germline.
Comment: This variant is not present in population databases (ExAC no frequency). In summary, the available evidence is currently insufficient to determine the role of this variant in disease. Therefore, it has been classified as a Variant of Uncertain Significance. Algorithms developed to predict the effect of missense changes on protein structure and function are either unavailable or do not agree on the potential impact of this missense change (SIFT: "Deleterious"; PolyPhen-2: "Possibly Damaging"; Align-GVGD: "Class C0"). This variant has not been reported in the literature in individuals with OPN1SW-related conditions. This sequence change replaces cysteine with glycine at codon 319 of the OPN1SW protein (p.Cys319Gly). The cysteine residue is highly conserved and there is a large physicochemical difference between cysteine and glycine.